The following is an entry in ClinVar:

ClinVar aggregate classification (germline): Pathogenic (1 of 4 stars; one submission).

Submission:

Labcorp Genetics (formerly Invitae), Labcorp
Classification: Pathogenic. Last evaluated: 2023-11-20. Review status: criteria provided, single submitter. Criteria: Invitae Variant Classification Sherloc (09022015). Collection method: clinical testing. Allele origin: unknown.
Comment: This variant is a gross deletion of the genomic region encompassing exon(s) 1 of the GPR143 gene, which includes the initiator codon. This deletion extends beyond the assayed region for this gene and therefore may encompass additional genes. It is expected to result in an absent or disrupted protein product. Loss-of-function variants in GPR143 are known to be pathogenic (PMID: 15965158, 18978956, 19390656, 21541274, 26160353, 28211458). A similar copy number variant has been observed in individual(s) with ocular albinism (PMID: 9529334, 11214907). For these reasons, this variant has been classified as Pathogenic.

Literature cited by the submitters: PubMed 15965158; PubMed 18978956; PubMed 19390656; PubMed 21541274; PubMed 26160353; PubMed 28211458; PubMed 9529334; PubMed 11214907.

NC_000023.10:g.(?_9733588)_(9751474_?)del

Gene: GPR143 (G protein-coupled receptor 143; minus strand). Cytogenetic location: Xp22.2.
Variant type: Deletion.
Identifiers: ClinVar variation 3245712 (VCV003245712.1).